The following is an entry in ClinVar:

NC_000008.10:g.(?_133492374)_(133492779_?)dup

Gene: KCNQ3 (potassium voltage-gated channel subfamily Q member 3; minus strand). Cytogenetic location: 8q24.22.
Variant type: Duplication.
Identifiers: ClinVar variation 2425137 (VCV002425137.3).

ClinVar aggregate classification (germline): Uncertain significance (1 of 4 stars; one submission).

Conditions:
Benign neonatal seizures. Also called: Benign neonatal familial convulsions; Benign familial neonatal seizures; Convulsions benign familial neonatal dominant form; Autosomal dominant form of benign neonatal seizures; Benign familial neonatal epilepsy. Identifiers: Orphanet 1949, MedGen C0220669, MONDO:0016027.

Submission:

Labcorp Genetics (formerly Invitae), Labcorp
Classification: Uncertain significance for Benign neonatal seizures. Last evaluated: 2022-02-07. Review status: criteria provided, single submitter. Criteria: Invitae Variant Classification Sherloc (09022015). Collection method: clinical testing. Allele origin: germline.
Comment: This variant results in a copy number gain of the genomic region encompassing exon(s) 1 of the KCNQ3 gene. This region includes the initiator codon of the gene. This copy number gain extends beyond the assayed region for this gene and therefore may encompass additional genes. As the precise location of this event is unknown, it may be in tandem or it may be located elsewhere in the genome. This variant has not been reported in the literature in individuals affected with KCNQ3-related conditions. Experimental studies and prediction algorithms are not available or were not evaluated, and the functional significance of this variant is currently unknown. In summary, the available evidence is currently insufficient to determine the role of this variant in disease. Therefore, it has been classified as a Variant of Uncertain Significance.